The following is an entry in ClinVar:

ClinVar aggregate classification (germline): Pathogenic. Review status: criteria provided, multiple submitters, no conflicts (2 of 4 stars). 6 submissions from 6 submitters: Pathogenic (5). 1 of the submissions does not count toward it. Last evaluated 2025-05-23.

Conditions:
Tay-Sachs disease (TSD). Also called: HEXA DEFICIENCY; Hexosaminidase A Deficiency; HEXA Disorders; GM2 gangliosidosis, type 1; Hexosaminidase alpha-subunit deficiency (variant B); Sphingolipidosis, Tay-Sachs. Identifiers: Orphanet 845, MedGen C0039373, MONDO:0010100, OMIM 272800.

Submissions (6):

Natera, Inc.
Classification: Pathogenic for Tay-Sachs disease. Last evaluated: 2025-05-23. Review status: criteria provided, single submitter. Criteria: Natera Variant Classification Schema (03/2026). Collection method: clinical testing. Allele origin: germline.
Comment: The c.78G>A variant in HEXA is a nonsense variant predicted to introduce a stop codon at amino acid 26. This variant is expected to result in nonsense mediated decay, truncation, or a dysfunctional protein product. This variant is rare in the general population with a frequency below the threshold expected for the associated phenotype(s). This variant has been observed in one or more individuals affected with the associated recessive disease, as either homozygous or compound heterozygous with a second variant (PMID: 21567908, 21967858). Given the available evidence, this variant is classified as Pathogenic.

Labcorp Genetics (formerly Invitae), Labcorp
Classification: Pathogenic for Tay-Sachs disease. Last evaluated: 2022-10-31. Review status: criteria provided, single submitter. Criteria: Invitae Variant Classification Sherloc (09022015). Collection method: clinical testing. Allele origin: germline.
Comment: For these reasons, this variant has been classified as Pathogenic. This sequence change creates a premature translational stop signal (p.Trp26*) in the HEXA gene. It is expected to result in an absent or disrupted protein product. Loss-of-function variants in HEXA are known to be pathogenic (PMID: 1833974, 8490625). This variant is not present in population databases (gnomAD no frequency). This premature translational stop signal has been observed in individual(s) with Tay-Sachs disease (PMID: 1833974, 21967858, 25606403). ClinVar contains an entry for this variant (Variation ID: 3911).

Breakthrough Genomics
Classification: Pathogenic for Tay-Sachs disease. Last evaluated: 2020-07-17. Review status: criteria provided, single submitter. Criteria: ACMG Guidelines, 2015. Collection method: clinical testing. Allele origin: germline. Affected: yes.
Comment: This variant was previously reported in individuals affected with Tay-Sachs disease in homozygous or compound heterozygous state and reported as a disease-causing mutation. [PMID: 1833974, 8257995, 21967858, 25606403]

Women's Health and Genetics/Laboratory Corporation of America, LabCorp
Classification: Pathogenic for Tay-Sachs disease. Last evaluated: 2018-06-04. Review status: criteria provided, single submitter. Criteria: LabCorp Variant Classification Summary - May 2015. Collection method: clinical testing. Allele origin: germline.
Comment: Variant summary: HEXA c.78G>A (p.Trp26X) results in a premature termination codon, predicted to cause a truncation of the encoded protein or absence of the protein due to nonsense mediated decay, which are commonly known mechanisms for disease. Truncations downstream of this position have been classified as pathogenic by our laboratory (eg. c.1168C>T, p.Gln390X; c.1274_1277dupTATC, p.Tyr427fsX5). The variant was absent in 121186 control chromosomes. c.78G>A has been reported in the literature in individuals affected with Tay-Sachs Disease. These data indicate that the variant is likely to be associated with disease. At least one publication reports experimental evidence evaluating an impact on protein function. The most pronounced variant effect results in <10% of normal activity. No clinical diagnostic laboratories have submitted clinical-significance assessments for this variant to ClinVar after 2014. Based on the evidence outlined above, the variant was classified as pathogenic.

Juno Genomics, Hangzhou Juno Genomics, Inc
Classification: Pathogenic for Tay-Sachs disease. Review status: criteria provided, single submitter. Criteria: ACMG Guidelines, 2015. Collection method: clinical testing. Allele origin: germline.
Comment: Absent from controls (or at extremely low frequency if recessive) in Genome Aggregation Database.;Null variant in a gene where loss of function (LOF) is a known mechanism of disease.;For recessive disorders, detected in trans with a pathogenic variant.

OMIM
Classification: Pathogenic for TAY-SACHS DISEASE. Last evaluated: 1993-01-01. Review status: no assertion criteria provided. Collection method: literature only. Allele origin: germline. Not counted in ClinVar's aggregate classification.

Literature cited by the submitters: PubMed 21567908 (cited by Natera, Inc. and Women's Health and Genetics/Laboratory Corporation of America, LabCorp); PubMed 21967858 (cited by 3 submitters); PubMed 1833974 (cited by Labcorp Genetics (formerly Invitae), Labcorp and OMIM); PubMed 8490625 (cited by Labcorp Genetics (formerly Invitae), Labcorp); PubMed 25606403 (cited by Labcorp Genetics (formerly Invitae), Labcorp and Women's Health and Genetics/Laboratory Corporation of America, LabCorp); PubMed 1384323 (cited by Women's Health and Genetics/Laboratory Corporation of America, LabCorp); PubMed 8257995 (cited by OMIM).

NM_000520.6(HEXA):c.78G>A (p.Trp26Ter)

Gene: HEXA (hexosaminidase subunit alpha; minus strand). Cytogenetic location: 15q23.
Variant type: single nucleotide variant.
Coding change: c.78G>A on transcript NM_000520.6 (MANE Select); coding-DNA position 78, G replaced by A.
Protein change: p.Trp26Ter; replaces tryptophan 26 with a stop codon.
Molecular consequence: nonsense. On other transcripts: non-coding transcript variant (1).
Genome position (GRCh38, 1-based): chr15:72,375,895, C>T on the plus strand (G>A on the coding strand, the complement: HEXA is on the minus strand). VCF-style: chr15-72375895-C-T. GRCh37 (hg19) VCF-style: chr15-72668236-C-T.
Other names: p.Trp26Ter; c.78G>A, p.Trp26Ter (NM_001318825.2); c.78G>A (NM_000520.5); short protein forms W26*.
Identifiers: ClinVar variation 3911 (VCV000003911.185), dbSNP rs121907964, ClinGen allele CA252919.
Genomic context (GRCh38, chr15:72,375,895, plus strand): 5'-GAATTGAAAGTTGTTCGGGTAAAGGACGTAGCGCTGGTCGGAGGTTTGGAAGTTCTGAGG[C>T]CAGGGCCAGAGGGCCGTCGCCCGTCCTGCGAACGCTGCCGCCAGCAGCAGCGAAAACCAA-3'